The following is an entry in ClinVar:

NM_001042492.3(NF1):c.6001G>A (p.Gly2001Arg)

Gene: NF1 (neurofibromin 1; plus strand). Cytogenetic location: 17q11.2.
Variant type: single nucleotide variant.
Coding change: c.6001G>A on transcript NM_001042492.3 (MANE Select); coding-DNA position 6001, G replaced by A.
Protein change: p.Gly2001Arg; replaces glycine 2001 with arginine.
Molecular consequence: missense variant.
Genome position (GRCh38, 1-based): chr17:31,335,026, G>A. VCF-style: chr17-31335026-G-A. GRCh37 (hg19) VCF-style: chr17-29662044-G-A.
Other names: c.5938G>A, p.Gly1980Arg (NM_000267.4); short protein forms G1980R, G2001R.
Identifiers: ClinVar variation 68358 (VCV000068358.8), dbSNP rs199474751, ClinGen allele CA219619.

ClinVar aggregate classification (germline): Pathogenic/Likely pathogenic. Review status: criteria provided, multiple submitters, no conflicts (2 of 4 stars). 5 submissions from 5 submitters: Pathogenic (1); Likely pathogenic (2). 2 of the submissions do not count toward it. Last evaluated 2026-09-02.

Conditions:
NF1-related disorder. Also called: NF1-related condition. Identifiers: MedGen CN379171.
Hereditary cancer-predisposing syndrome. Also called: Hereditary Cancer Syndrome; Tumor predisposition; Neoplastic Syndromes, Hereditary; Hereditary neoplastic syndrome. Identifiers: Orphanet 140162, MedGen C0027672, MeSH D009386, MONDO:0015356.
Cardiovascular phenotype. Identifiers: MedGen CN230736.
Neurofibromatosis, type 1 (NF1). Also called: NEUROFIBROMATOSIS, TYPE I, SOMATIC; Peripheral type neurofibromatosis; Neurofibromatosis, type I; VON RECKLINGHAUSEN DISEASE. Identifiers: Orphanet 636, MedGen C0027831, MONDO:0018975, OMIM 162200. Disease mechanism: loss of function.

Submissions (5):

PreventionGenetics, part of Exact Sciences
Classification: Pathogenic for NF1-related condition. Last evaluated: 2026-09-02. Review status: criteria provided, single submitter. Criteria: ACMG Guidelines, 2015. Collection method: clinical testing. Allele origin: germline.
Comment: The NF1 c.6001G>A variant is predicted to result in the amino acid substitution p.Gly2001Arg. This variant was identified in individuals with clinical features consistent with neurofibromatosis type I (NF1) (De Luca et al. 2003. PubMed ID: 12552569; De Luca et al. 2004. PubMed ID: 15146469). This variant has not been reported in a large population database (gnomAD), indicating it is rare. It is classified as likely pathogenic as ClinVar (Variation ID: 68358). This variant is interpreted as pathogenic.

Labcorp Genetics (formerly Invitae), Labcorp
Classification: Likely pathogenic for Neurofibromatosis, type 1. Last evaluated: 2026-01-13. Review status: criteria provided, single submitter. Criteria: Invitae Variant Classification Sherloc (09022015). Collection method: clinical testing. Allele origin: germline.
Comment: This sequence change replaces glycine, which is neutral and non-polar, with arginine, which is basic and polar, at codon 1980 of the NF1 protein (p.Gly1980Arg). This variant is not present in population databases (gnomAD no frequency). This missense change has been observed in individual(s) with neurofibromatosis type I (PMID: 12552569, 15146469). ClinVar contains an entry for this variant (Variation ID: 68358). Invitae Evidence Modeling of protein sequence and biophysical properties (such as structural, functional, and spatial information, amino acid conservation, physicochemical variation, residue mobility, and thermodynamic stability) indicates that this missense variant is expected to disrupt NF1 protein function with a positive predictive value of 95%. In summary, the currently available evidence indicates that the variant is pathogenic, but additional data are needed to prove that conclusively. Therefore, this variant has been classified as Likely Pathogenic.

Ambry Genetics
Classification: Likely pathogenic for Cardiovascular phenotype; Hereditary cancer-predisposing syndrome. Last evaluated: 2025-09-04. Review status: criteria provided, single submitter. Criteria: Ambry Variant Classification Scheme 2023. Collection method: clinical testing. Allele origin: germline.
Comment: The p.G1980R variant (also known as c.5938G>A), located in coding exon 39 of the NF1 gene, results from a G to A substitution at nucleotide position 5938. The glycine at codon 1980 is replaced by arginine, an amino acid with dissimilar properties. This variant was reported in individuals with features consistent with neurofibromatosis type 1 (De Luca A et al. Hum Mutat, 2003 Feb;21:171-2; Ambry internal data). This missense alteration is located in a region that has a low rate of benign missense variation (Lek M et al. Nature. 2016 Aug 18;536(7616):285-91; DECIPHER: Database of Chromosomal Imbalance and Phenotype in Humans using Ensembl Resources. Firth H.V. et al. 2009. Am.J.Hum.Genet. 84, 524-533 (DOI)). This amino acid position is highly conserved in available vertebrate species. In addition, this alteration is predicted to be deleterious by in silico analysis. This variant is considered to be rare based on population cohorts in the Genome Aggregation Database (gnomAD). Based on the majority of available evidence to date, this variant is likely to be pathogenic.

Clinical Molecular Genetics Laboratory, Johns Hopkins All Children's Hospital
Classification: Pathogenic for Neurofibromatosis, type 1. Last evaluated: 2014-11-04. Review status: no assertion criteria provided. Collection method: clinical testing. Allele origin: germline. Affected: yes. Not counted in ClinVar's aggregate classification.

UniProtKB/Swiss-Prot
No classification provided. Review status: no classification provided. Collection method: not provided. Allele origin: not provided. Not counted in ClinVar's aggregate classification.

Literature cited by the submitters: PubMed 12552569 (cited by Labcorp Genetics (formerly Invitae), Labcorp and Ambry Genetics); PubMed 15146469 (cited by Labcorp Genetics (formerly Invitae), Labcorp and Ambry Genetics).